The following is an entry in ClinVar:

NM_006231.4(POLE):c.5842G>A (p.Asp1948Asn)

Gene: POLE (DNA polymerase epsilon, catalytic subunit; minus strand). Cytogenetic location: 12q24.33.
Variant type: single nucleotide variant.
Coding change: c.5842G>A on transcript NM_006231.4 (MANE Select); coding-DNA position 5842, G replaced by A.
Protein change: p.Asp1948Asn; replaces aspartic acid 1948 with asparagine.
Molecular consequence: missense variant.
Genome position (GRCh38, 1-based): chr12:132,634,348, C>T on the plus strand (G>A on the coding strand, the complement: POLE is on the minus strand). VCF-style: chr12-132634348-C-T. GRCh37 (hg19) VCF-style: chr12-133210934-C-T.
Other names: short protein forms D1948N.
Identifiers: ClinVar variation 1043895 (VCV001043895.10), dbSNP rs748652801, ClinGen allele CA387371820.

ClinVar aggregate classification (germline): Uncertain significance. Review status: criteria provided, multiple submitters, no conflicts (2 of 4 stars). 2 submissions from 2 submitters: Uncertain significance (2). Last evaluated 2025-09-04.

Conditions:
Hereditary cancer-predisposing syndrome. Also called: Hereditary Cancer Syndrome; Tumor predisposition; Hereditary neoplastic syndrome; Neoplastic Syndromes, Hereditary. Identifiers: Orphanet 140162, MedGen C0027672, MeSH D009386, MONDO:0015356.

Submissions (2):

Labcorp Genetics (formerly Invitae), Labcorp
Classification: Uncertain significance. Last evaluated: 2025-09-04. Review status: criteria provided, single submitter. Criteria: Invitae Variant Classification Sherloc (09022015). Collection method: clinical testing. Allele origin: germline.
Comment: This sequence change replaces aspartic acid, which is acidic and polar, with asparagine, which is neutral and polar, at codon 1948 of the POLE protein (p.Asp1948Asn). This variant is not present in population databases (gnomAD no frequency). This variant has not been reported in the literature in individuals affected with POLE-related conditions. ClinVar contains an entry for this variant (Variation ID: 1043895). An algorithm developed to predict the effect of missense changes on protein structure and function (PolyPhen-2) suggests that this variant is likely to be tolerated. In summary, the available evidence is currently insufficient to determine the role of this variant in disease. Therefore, it has been classified as a Variant of Uncertain Significance.

Ambry Genetics
Classification: Uncertain significance for Hereditary cancer-predisposing syndrome. Last evaluated: 2024-04-09. Review status: criteria provided, single submitter. Criteria: Ambry Variant Classification Scheme 2023. Collection method: clinical testing. Allele origin: germline.